The following is an entry in ClinVar:

ClinVar aggregate classification (germline): Uncertain significance. Review status: reviewed by expert panel (3 of 4 stars). 4 submissions from 4 submitters: Uncertain significance (1). 3 of the submissions do not count toward it. Last evaluated 2025-10-03.

Conditions:
Maturity-onset diabetes of the young type 3. Also called: MODY, type III; MODY type 3. Identifiers: Orphanet 552, MedGen C1838100, MeSH C563933, MONDO:0010894, OMIM 600496. Disease mechanism: loss of function.
Type 2 diabetes mellitus. Also called: Type II diabetes mellitus. Identifiers: MedGen C0011860, MeSH D003924, MONDO:0005148, OMIM 125853, HP:0005978.
Diabetes mellitus type 1 (T1D). Also called: Diabetes Mellitus, Juvenile-Onset; Type I diabetes mellitus. Identifiers: MedGen C0011854, MONDO:0005147, OMIM 222100, HP:0100651.
Hepatic adenomas, familial. Also called: HEPATIC ADENOMA, SOMATIC; LIVER CELL ADENOMAS, FAMILIAL. Identifiers: MedGen C1840646, MONDO:0007718, OMIM 142330.
Nonpapillary renal cell carcinoma. Identifiers: Orphanet 422526, MedGen CN074294, MONDO:0007763, OMIM 144700.
Type 1 diabetes mellitus 20 (T1D20). Also called: Diabetes mellitus, insulin-dependent, 20. Identifiers: MedGen C2675866, MONDO:0012919, OMIM 612520.
Monogenic diabetes. Identifiers: Orphanet 183625, MedGen C3888631, MONDO:0015967.

gnomAD v4.1: 32 of 1,613,874 alleles (0.002%); highest among the groups gnomAD compares: Admixed American, 0.0033%; no homozygotes.

Submissions (4):

ClinGen Monogenic Diabetes Variant Curation Expert Panel
Classification: Uncertain significance for Monogenic diabetes. Last evaluated: 2025-10-03. Review status: reviewed by expert panel. Criteria: ClinGen Diabetes ACMG Specifications HNF1A V3.0.0. Collection method: curation. Allele origin: germline. Inheritance: Autosomal dominant inheritance.
Comment: The c.1544C>T variant in the HNF1 homeobox A gene, HNF1A, causes an amino acid change of threonine to methionine at codon 515 (p.(Thr515Met)) of NM_000545.8. This variant has a REVEL score of 0.673, which is between the ClinGen MDEP thresholds, predicting neither a damaging nor benign impact on HNF1A function. The Grpmax filtering allele frequency of the c.1544C>T variant in gnomAD v4.1.0 is 0.00001627, which falls between ClinGen MDEP-established cutoffs for PM2_Supporting and BS1; thus, neither criterion will be applied. This variant was identified in three unrelated individuals with non-autoimmune and non-absolute/near-absolute insulin-deficient diabetes; however, PS4 cannot be applied because the variant does not meet the PM2_Supporting cutoff (PMID: 29666556, PMID: 29207974, internal lab contributor). One of these individuals has a clinical history highly specific for HNF1A-MODY (MODY probability calculator result >50%, antibody negative, and negative genetic testing for HNF4A) (PP4_Moderate; internal lab contributor). In summary, the c.1544C>T variant meets the criteria to be classified as a variant of uncertain significance for monogenic diabetes. ACMG/AMP criteria applied, as specified by the ClinGen MDEP (specification version 3.0, approved 6/30/2025): PP4_Moderate.

Labcorp Genetics (formerly Invitae), Labcorp
Classification: Uncertain significance. Last evaluated: 2025-12-31. Review status: criteria provided, single submitter. Criteria: Invitae Variant Classification Sherloc (09022015). Collection method: clinical testing. Allele origin: germline. Not counted in ClinVar's aggregate classification.
Comment: This sequence change replaces threonine, which is neutral and polar, with methionine, which is neutral and non-polar, at codon 515 of the HNF1A protein (p.Thr515Met). This variant is present in population databases (rs745460046, gnomAD 0.006%). This missense change has been observed in individual(s) with clinical feature of HNF1A-related conditions (PMID: 29207974, 29666556). ClinVar contains an entry for this variant (Variation ID: 1342956). Invitae Evidence Modeling of protein sequence and biophysical properties (such as structural, functional, and spatial information, amino acid conservation, physicochemical variation, residue mobility, and thermodynamic stability) indicates that this missense variant is not expected to disrupt HNF1A protein function with a negative predictive value of 80%. Experimental studies have shown that this missense change affects HNF1A function (PMID: 30455330, 37492105). This variant disrupts the p.Thr515 amino acid residue in HNF1A. Other variant(s) that disrupt this residue have been observed in individuals with HNF1A-related conditions (PMID: 29927023), which suggests that this may be a clinically significant amino acid residue. In summary, the available evidence is currently insufficient to determine the role of this variant in disease. Therefore, it has been classified as a Variant of Uncertain Significance.

GeneDx
Classification: Uncertain significance. Last evaluated: 2025-01-08. Review status: criteria provided, single submitter. Criteria: GeneDx Variant Classification Process June 2021. Collection method: clinical testing. Allele origin: germline. Affected: yes. Not counted in ClinVar's aggregate classification.
Comment: In silico analysis indicates that this missense variant does not alter protein structure/function; This variant is associated with the following publications: (PMID: 29666556, 21224407, 37240725, 30455330, 37492105, 29207974)

Fulgent Genetics
Classification: Uncertain significance for Type 2 diabetes mellitus; Hepatic adenomas, familial; Nonpapillary renal cell carcinoma; Diabetes mellitus type 1; Maturity-onset diabetes of the young type 3; Type 1 diabetes mellitus 20. Last evaluated: 2024-02-28. Review status: criteria provided, single submitter. Criteria: ACMG Guidelines, 2015. Collection method: clinical testing. Allele origin: germline. Not counted in ClinVar's aggregate classification.

Literature cited by the submitters: PubMed 29666556 (cited by ClinGen Monogenic Diabetes Variant Curation Expert Panel and Labcorp Genetics (formerly Invitae), Labcorp); PubMed 29207974 (cited by ClinGen Monogenic Diabetes Variant Curation Expert Panel and Labcorp Genetics (formerly Invitae), Labcorp); PubMed 30455330 (cited by Labcorp Genetics (formerly Invitae), Labcorp); PubMed 37492105 (cited by Labcorp Genetics (formerly Invitae), Labcorp); PubMed 29927023 (cited by Labcorp Genetics (formerly Invitae), Labcorp).

NM_000545.8(HNF1A):c.1544C>T (p.Thr515Met)

Gene: HNF1A (HNF1 homeobox A; plus strand). Cytogenetic location: 12q24.31.
Variant type: single nucleotide variant.
Coding change: c.1544C>T on transcript NM_000545.8 (MANE Select); coding-DNA position 1544, C replaced by T.
Protein change: p.Thr515Met; replaces threonine 515 with methionine.
Molecular consequence: missense variant.
Genome position (GRCh38, 1-based): chr12:120,999,310, C>T. VCF-style: chr12-120999310-C-T. GRCh37 (hg19) VCF-style: chr12-121437113-C-T.
Other names: NM_001306179.2:c.1544C>T; NM_000545.8(HNF1A):c.1544C>T; p.Thr515Met; c.1544C>T, p.Thr515Met (NM_001306179.2); c.1544C>T (NM_000545.5); short protein forms T515M.
Identifiers: ClinVar variation 1342956 (VCV001342956.7), dbSNP rs745460046, ClinGen allele CA6832105.